The following is an entry in ClinVar:

GRCh38/hg38 10q11.22(chr10:46375049-47987500)x1

Genes: AGAP9 (ArfGAP with GTPase domain, ankyrin repeat and PH domain 9; minus strand), ANXA8 (annexin A8; minus strand), ANXA8L1 (annexin A8 like 1; plus strand), FAM245B (family with sequence similarity 245 member B; plus strand), FAM25G (family with sequence similarity 25 member G; minus strand) and 26 more. Cytogenetic location: 10q11.22.
Variant type: copy number loss.
Change: copy number 1 (one copy instead of two) of chr10:46,375,049-47,987,500 (1.61 Mb, GRCh38 coordinates, 1-based), cytogenetic band 10q11.22.
Identifiers: ClinVar variation 32955 (VCV000032955.3).

ClinVar aggregate classification (germline): Benign. Review status: no assertion criteria provided (0 of 4 stars). 2 submissions from 1 submitter: Benign (1). 1 of the submissions does not count toward it. Last evaluated 2010-05-27.

Submissions (2):

ISCA site 4
Classification: Benign. Last evaluated: 2010-05-27. Review status: no assertion criteria provided. Collection method: clinical testing. Allele origin: unknown. Affected: yes. Observed: 2 variant alleles.

ISCA site 4
Classification: Benign. Last evaluated: 2011-08-12. Review status: flagged submission. Criteria: Kaminsky et al. (Genet Med. 2011). Collection method: clinical testing. Allele origin: unknown. Affected: yes. Observed: 3 variant alleles. Clinical features observed: Developmental delay AND/OR other significant developmental or morphological phenotypes, Global developmental delay (HP:0001263). Not counted in ClinVar's aggregate classification.
Comment: Copy number variation identified through the course of routine clinical cytogenomic testing in postnatal populations. Clinical assertions have been curated as described in Kaminsky et al. 2011.
ClinVar note: Reason: This record appears to be redundant with a more recent record from the same submitter.
ClinVar note: Notes: SCV000077628 appears to be redundant with SCV000173058.